The following is an entry in ClinVar:

NM_024690.2(MUC16):c.39537G>T (p.Gln13179His)

Gene: MUC16 (mucin 16, cell surface associated; minus strand). Cytogenetic location: 19p13.2.
Variant type: single nucleotide variant.
Coding change: c.39537G>T on transcript NM_024690.2; coding-DNA position 39537, G replaced by T.
Protein change: p.Gln13179His; replaces glutamine 13179 with histidine.
Molecular consequence: missense variant.
Genome position (GRCh38, 1-based): chr19:8,896,035, C>A on the plus strand (G>T on the coding strand, the complement: MUC16 is on the minus strand). VCF-style: chr19-8896035-C-A. GRCh37 (hg19) VCF-style: chr19-9006711-C-A.
Other names: short protein forms Q13179H.
Identifiers: ClinVar variation 3058282 (VCV003058282.2), dbSNP rs1411717418, ClinGen allele CA403814611.

ClinVar aggregate classification (germline): Likely benign (0 of 4 stars; one submission).

Conditions:
MUC16-related disorder. Also called: MUC16-related condition.

Allele frequency attached by ClinVar (database versions not stated): 1000 Genomes Project 30x 0.08948.

Submission:

PreventionGenetics, part of Exact Sciences
Classification: Likely benign for MUC16-related condition. Last evaluated: 2020-08-05. Review status: no assertion criteria provided. Collection method: clinical testing. Allele origin: germline.
Comment: This variant is classified as likely benign based on ACMG/AMP sequence variant interpretation guidelines (Richards et al. 2015 PMID: 25741868, with internal and published modifications).